The following is an entry in ClinVar:

ClinVar aggregate classification (germline): Likely pathogenic (1 of 4 stars; one submission).

Conditions:
Intellectual developmental disorder with seizures and language delay (IDDSELD). Identifiers: MedGen C5436574, MONDO:0033559, OMIM 619000.

Submission:

3billion
Classification: Likely pathogenic for Intellectual developmental disorder with seizures and language delay. Last evaluated: 2025-11-13. Review status: criteria provided, single submitter. Criteria: ACMG Guidelines, 2015. Collection method: clinical testing. Allele origin: germline. Affected: yes.
Comment: The variant is not observed in the gnomAD v4.1.0 dataset. Predicted Consequence/Location: Frameshift: predicted to result in a loss or disruption of normal protein function through nonsense-mediated decay (NMD) or protein truncation. Multiple pathogenic variants are reported downstream of the variant. Therefore, this variant is classified as Likely pathogenic according to the recommendation of ACMG/AMP guideline.

NM_001353345.2(SETD1B):c.2144del (p.Pro715fs)

Gene: SETD1B (SET domain containing 1B, histone lysine methyltransferase; plus strand). Cytogenetic location: 12q24.31.
Variant type: Deletion.
Coding change: c.2144del on transcript NM_001353345.2 (MANE Select); coding-DNA position 2144, one base deleted (C; older notation c.2144delC).
Protein change: p.Pro715fs; shifts the reading frame from proline 715.
Molecular consequence: frameshift variant.
Genome position (GRCh38, 1-based): chr12:121,814,359, C deleted; the last of 5 consecutive C bases (chr12:121,814,355-121,814,359); deleting any one gives the same sequence. VCF-style (leftmost placement, unchanged base first): chr12-121814354-GC-G. GRCh37 (hg19) VCF-style: chr12-122252260-GC-G.
Other names: short protein forms P715fs.
Identifiers: ClinVar variation 4854993 (VCV004854993.1).